The following is an entry in ClinVar:

NM_000834.5(GRIN2B):c.1957T>C (p.Phe653Leu)

Gene: GRIN2B (glutamate ionotropic receptor NMDA type subunit 2B; minus strand). Cytogenetic location: 12p13.1.
Variant type: single nucleotide variant.
Coding change: c.1957T>C on transcript NM_000834.5 (MANE Select); coding-DNA position 1957, T replaced by C.
Protein change: p.Phe653Leu; replaces phenylalanine 653 with leucine.
Molecular consequence: missense variant.
Genome position (GRCh38, 1-based): chr12:13,608,656, A>G on the plus strand (T>C on the coding strand, the complement: GRIN2B is on the minus strand). VCF-style: chr12-13608656-A-G. GRCh37 (hg19) VCF-style: chr12-13761590-A-G.
Other names: c.1957T>C, p.Phe653Leu (NM_001413992.1); short protein forms F653L.
Identifiers: ClinVar variation 1878561 (VCV001878561.1), dbSNP rs2497583047, ClinGen allele CA384050903.

ClinVar aggregate classification (germline): Uncertain significance (1 of 4 stars; one submission).

Conditions:
Developmental and epileptic encephalopathy, 27 (DEE27). Also called: Epileptic encephalopathy, early infantile, 27; GRIN2B-Related Neurodevelopmental Disorder. Identifiers: Orphanet 3451, MedGen C4015316, MONDO:0014505, OMIM 616139.

Submission:

Neuberg Centre For Genomic Medicine, NCGM
Classification: Uncertain significance for Developmental and epileptic encephalopathy, 27. Review status: criteria provided, single submitter. Criteria: ACMG Guidelines, 2015. Collection method: clinical testing. Allele origin: germline. Affected: yes.
Comment: The missense variant c.1957T>C (p.Phe653Leu) in GRIN2B gene has not been reported previously as a pathogenic variant nor as a benign variant, to our knowledge. The p.Phe653Leu variant is novel (not in any individuals) in gnomAD Exomes and 1000 Genomes. The amino acid Phe at position 653 is changed to a Leu changing protein sequence and it might alter its composition and physico-chemical properties. The amino acid change p.Phe653Leu in GRIN2B is predicted as conserved by GERP++ and PhyloP across 100 vertebrates. For these reasons, this variant has been classified as Uncertain Significance